The following is an entry in ClinVar:

ClinVar aggregate classification (germline): Likely pathogenic (1 of 4 stars; one submission).

Allele frequency attached by ClinVar (database versions not stated): gnomAD exomes below 0.00001.
gnomAD v4.1: 1 of 1,613,836 alleles (0.000062%); highest among the groups gnomAD compares: African/African-American, 0.0013%; no homozygotes.

Submission:

Labcorp Genetics (formerly Invitae), Labcorp
Classification: Likely pathogenic. Last evaluated: 2023-03-23. Review status: criteria provided, single submitter. Criteria: Invitae Variant Classification Sherloc (09022015). Collection method: clinical testing. Allele origin: germline.
Comment: This sequence change affects an acceptor splice site in intron 5 of the SYNE4 gene. It is expected to disrupt RNA splicing. Variants that disrupt the donor or acceptor splice site typically lead to a loss of protein function (PMID: 16199547), and loss-of-function variants in SYNE4 are known to be pathogenic (PMID: 23348741, 28958982). This variant is not present in population databases (gnomAD no frequency). This variant has not been reported in the literature in individuals affected with SYNE4-related conditions. Algorithms developed to predict the effect of sequence changes on RNA splicing suggest that this variant may disrupt the consensus splice site. In summary, the currently available evidence indicates that the variant is pathogenic, but additional data are needed to prove that conclusively. Therefore, this variant has been classified as Likely Pathogenic.

Literature cited by the submitters: PubMed 16199547; PubMed 23348741; PubMed 28958982.

NM_001039876.3(SYNE4):c.868-2A>G

Gene: SYNE4 (spectrin repeat containing nuclear envelope family member 4; minus strand). Cytogenetic location: 19q13.12.
Variant type: single nucleotide variant.
Coding change: c.868-2A>G on transcript NM_001039876.3 (MANE Select); the canonical splice acceptor site of the intron before coding-DNA position 868, A replaced by G.
Molecular consequence: splice acceptor variant.
Genome position (GRCh38, 1-based): chr19:36,005,439, T>C on the plus strand (A>G on the coding strand, the complement: SYNE4 is on the minus strand). VCF-style: chr19-36005439-T-C. GRCh37 (hg19) VCF-style: chr19-36496341-T-C.
Other names: c.529-2A>G (NM_001297735.3).
Identifiers: ClinVar variation 2834704 (VCV002834704.3), dbSNP rs2514032584, ClinGen allele CA405431072.